The following is an entry in ClinVar:

NM_014003.4(DHX38):c.2428A>G (p.Thr810Ala)

Gene: DHX38 (DEAH-box helicase 38; plus strand). Cytogenetic location: 16q22.2.
Variant type: single nucleotide variant.
Coding change: c.2428A>G on transcript NM_014003.4 (MANE Select); coding-DNA position 2428, A replaced by G.
Protein change: p.Thr810Ala; replaces threonine 810 with alanine.
Molecular consequence: missense variant.
Genome position (GRCh38, 1-based): chr16:72,105,565, A>G. VCF-style: chr16-72105565-A-G. GRCh37 (hg19) VCF-style: chr16-72139464-A-G.
Other names: short protein forms T810A.
Identifiers: ClinVar variation 950979 (VCV000950979.9), dbSNP rs2042164304, ClinGen allele CA396712615.
Genomic context (GRCh38, chr16:72,105,565, plus strand): 5'-GTCCTGCTCTAGGCTCCAGATGGCGTTCGGAAGTGCATCGTTGCCACCAATATTGCCGAG[A>G]CGTCTCTCACTGTTGACGGCATCATGTTTGTTATCGATTCTGGTTATTGCAAATTAAAGG-3'
Protein context (NP_054722.2, residues 800-820): KCIVATNIAE[Thr810Ala]SLTVDGIMFV

ClinVar aggregate classification (germline): Uncertain significance (1 of 4 stars; one submission).

Allele frequency attached by ClinVar (database versions not stated): gnomAD exomes below 0.00001.
gnomAD v4.1: 1 of 1,614,118 alleles (0.000062%); highest among the groups gnomAD compares: East Asian, 0.0022%; no homozygotes.

Submission:

Labcorp Genetics (formerly Invitae), Labcorp
Classification: Uncertain significance. Last evaluated: 2019-08-21. Review status: criteria provided, single submitter. Criteria: Invitae Variant Classification Sherloc (09022015). Collection method: clinical testing. Allele origin: germline.
Comment: This sequence change replaces threonine with alanine at codon 810 of the DHX38 protein (p.Thr810Ala). The threonine residue is highly conserved and there is a small physicochemical difference between threonine and alanine. This variant is not present in population databases (ExAC no frequency). This variant has not been reported in the literature in individuals with DHX38-related conditions. Algorithms developed to predict the effect of missense changes on protein structure and function (SIFT, PolyPhen-2, Align-GVGD) all suggest that this variant is likely to be disruptive, but these predictions have not been confirmed by published functional studies and their clinical significance is uncertain. In summary, the available evidence is currently insufficient to determine the role of this variant in disease. Therefore, it has been classified as a Variant of Uncertain Significance.